The following is an entry in ClinVar:

ClinVar aggregate classification (germline): Pathogenic (1 of 4 stars; one submission).

Conditions:
Ehlers-Danlos syndrome, musculocontractural type (EDSMC). Also called: ADDUCTED THUMB-CLUBFOOT SYNDROME; ARTHROGRYPOSIS, DISTAL, WITH PECULIAR FACIES AND HYDRONEPHROSIS; Adducted thumb, clubfoot, progressive joint and skin laxity syndrome; DUNDAR SYNDROME. Identifiers: Orphanet 2953, MedGen C1866294, MONDO:0011142.

Submission:

Labcorp Genetics (formerly Invitae), Labcorp
Classification: Pathogenic for Ehlers-Danlos syndrome, musculocontractural type. Last evaluated: 2023-02-23. Review status: criteria provided, single submitter. Criteria: Invitae Variant Classification Sherloc (09022015). Collection method: clinical testing. Allele origin: germline.
Comment: For these reasons, this variant has been classified as Pathogenic. This variant disrupts a region of the CHST14 protein in which other variant(s) (p.Pro281Leu) have been determined to be pathogenic (PMID: 20533528). This suggests that this is a clinically significant region of the protein, and that variants that disrupt it are likely to be disease-causing. This variant has not been reported in the literature in individuals affected with CHST14-related conditions. This variant is not present in population databases (gnomAD no frequency). This sequence change creates a premature translational stop signal (p.Gln106Argfs*38) in the CHST14 gene. While this is not anticipated to result in nonsense mediated decay, it is expected to disrupt the last 271 amino acid(s) of the CHST14 protein.

Literature cited by the submitters: PubMed 20533528.

NM_130468.4(CHST14):c.315del (p.Gln106fs)

Gene: CHST14 (carbohydrate sulfotransferase 14; plus strand). Cytogenetic location: 15q15.1.
Variant type: Deletion.
Coding change: c.315del on transcript NM_130468.4 (MANE Select); coding-DNA position 315, one base deleted (G; older notation c.315delG).
Protein change: p.Gln106fs; shifts the reading frame from glutamine 106.
Molecular consequence: frameshift variant.
Genome position (GRCh38, 1-based): chr15:40,471,528, G deleted; the last of 2 consecutive G bases (chr15:40,471,527-40,471,528); deleting either gives the same sequence. VCF-style (leftmost placement, unchanged base first): chr15-40471526-CG-C. GRCh37 (hg19) VCF-style: chr15-40763725-CG-C.
Other names: short protein forms Q106fs.
Identifiers: ClinVar variation 2836581 (VCV002836581.3), dbSNP rs2543005745, ClinGen allele CA2739279824.
Genomic context (GRCh38, chr15:40,471,526, plus strand): 5'-GGGAAAGCCCCCAAGCCTGGGGGCCTGTCCCTCAGGGCTGGGGACGCGGACTTGCAAGTG[CG>C]GCAGGACGTCCGGAACAGGACCCTGCGGGCGGTGTGCGGACAGCCAGGCATGCCCCGGGA-3'